The following is an entry in ClinVar:

NC_000011.10:g.8039028G>A

Gene: TUB (TUB bipartite transcription factor; plus strand). Cytogenetic location: 11p15.4.
Variant type: single nucleotide variant.
Molecular consequence: missense variant (on NM_003320.5). On other transcripts: intron variant (4).
Genome position: GRCh38 VCF-style: chr11-8039028-G-A. GRCh37 (hg19) VCF-style: chr11-8060575-G-A.
Other names: c.155G>A, p.Arg52Gln (NM_003320.5); c.56+19670G>A (NM_001440538.1, NM_001440539.1, NM_001440540.1 and 1 more transcripts); short protein forms R52Q.
Identifiers: ClinVar variation 1509755 (VCV001509755.8), dbSNP rs140759109, ClinGen allele CA5870827.

ClinVar aggregate classification (germline): Uncertain significance (1 of 4 stars; one submission).

Allele frequency attached by ClinVar (database versions not stated): gnomAD exomes 0.00002 and 0.00004; gnomAD 0.00003 and 0.00001; TOPMed 0.00003; ExAC 0.00005; ESP Exome Variant Server 0.00015.
gnomAD v4.1: 35 of 1,612,060 alleles (0.0022%); highest among the groups gnomAD compares: South Asian, 0.029%; 1 homozygote.

Submission:

Labcorp Genetics (formerly Invitae), Labcorp
Classification: Uncertain significance. Last evaluated: 2024-01-22. Review status: criteria provided, single submitter. Criteria: Invitae Variant Classification Sherloc (09022015). Collection method: clinical testing. Allele origin: germline.
Comment: This sequence change replaces arginine, which is basic and polar, with glutamine, which is neutral and polar, at codon 52 of the TUB protein (p.Arg52Gln). This variant also falls at the last nucleotide of exon 1, which is part of the consensus splice site for this exon. This variant is present in population databases (rs140759109, gnomAD 0.02%). This variant has not been reported in the literature in individuals affected with TUB-related conditions. ClinVar contains an entry for this variant (Variation ID: 1509755). An algorithm developed to predict the effect of missense changes on protein structure and function (PolyPhen-2) suggests that this variant is likely to be tolerated. Variants that disrupt the consensus splice site are a relatively common cause of aberrant splicing (PMID: 17576681, 9536098). Algorithms developed to predict the effect of sequence changes on RNA splicing suggest that this variant may disrupt the consensus splice site. In summary, the available evidence is currently insufficient to determine the role of this variant in disease. Therefore, it has been classified as a Variant of Uncertain Significance.

Literature cited by the submitters: PubMed 17576681; PubMed 9536098.